The following is an entry in ClinVar:

ClinVar aggregate classification (germline): Likely benign (1 of 4 stars; one submission).

Submission:

CeGaT Center for Human Genetics Tuebingen
Classification: Likely benign. Last evaluated: 2025-11-01. Review status: criteria provided, single submitter. Criteria: CeGaT Center For Human Genetics Tuebingen Variant Classification Criteria Version 2. Collection method: clinical testing. Allele origin: germline. Affected: yes. Observed: 2 variant alleles.
Comment: BICRA: BP4, BP7

NM_001394372.1(BICRA):c.816C>T (p.Pro272=)

Gene: BICRA (BRD4 interacting chromatin remodeling complex associated protein; plus strand). Cytogenetic location: 19q13.33.
Variant type: single nucleotide variant.
Coding change: c.816C>T on transcript NM_001394372.1 (MANE Select); coding-DNA position 816, C replaced by T.
Protein change: p.Pro272=; no amino-acid change (proline 272 retained).
Molecular consequence: synonymous variant.
Genome position (GRCh38, 1-based): chr19:47,679,986, C>T. VCF-style: chr19-47679986-C-T. GRCh37 (hg19) VCF-style: chr19-48183243-C-T.
Other names: c.816C>T, p.Pro272= (NM_015711.3).
Identifiers: ClinVar variation 4281098 (VCV004281098.7).